The following is an entry in ClinVar:

NM_024422.6(DSC2):c.2548delinsTT (p.Ala850fs)

Gene: DSC2 (desmocollin 2; minus strand). Cytogenetic location: 18q12.1.
Variant type: Indel.
Coding change: c.2548delinsTT on transcript NM_024422.6 (MANE Select); coding-DNA position 2548, G replaced by TT.
Protein change: p.Ala850fs; shifts the reading frame from alanine 850.
Molecular consequence: frameshift variant. On other transcripts: 3 prime UTR variant (1).
Genome position (GRCh38, 1-based): chr18:31,068,173, C replaced by AA on the plus strand (G replaced by TT on the coding strand, the reverse complement: DSC2 is on the minus strand). VCF-style: chr18-31068173-C-AA. GRCh37 (hg19) VCF-style: chr18-28648139-C-AA.
Other names: c.*50delinsTT (NM_004949.5); short protein forms A850fs.
Identifiers: ClinVar variation 199786 (VCV000199786.14), dbSNP rs794728077, ClinGen allele CA334921.

ClinVar aggregate classification (germline): Uncertain significance. Review status: criteria provided, multiple submitters, no conflicts (2 of 4 stars). 4 submissions from 4 submitters: Uncertain significance (4). Last evaluated 2025-12-16.

Conditions:
Cardiovascular phenotype. Identifiers: MedGen CN230736.
Cardiomyopathy (CMYO). Also called: Cardiomyopathies. Identifiers: Orphanet 167848, MedGen C0878544, MONDO:0004994, HP:0001638. Inheritance: Various modes of inheritance.
Arrhythmogenic right ventricular dysplasia 11. Also called: Arrhythmogenic right ventricular dysplasia 11 with mild palmoplantar keratoderma and woolly hair; Arrhythmogenic Right Ventricular Dysplasia/Cardiomyopathy11; ARRHYTHMOGENIC RIGHT VENTRICULAR DYSPLASIA, FAMILIAL, 11. Identifiers: MedGen C1864850, MONDO:0012506, OMIM 610476.

Submissions (4):

Labcorp Genetics (formerly Invitae), Labcorp
Classification: Uncertain significance for Arrhythmogenic right ventricular dysplasia 11. Last evaluated: 2025-12-16. Review status: criteria provided, single submitter. Criteria: Invitae Variant Classification Sherloc (09022015). Collection method: clinical testing. Allele origin: germline.
Comment: This sequence change creates a premature translational stop signal (p.Ala850Phefs*9) in the DSC2 gene. While this is not anticipated to result in nonsense mediated decay, it is expected to disrupt the last 52 amino acid(s) of the DSC2 protein. Information on the frequency of this variant in the gnomAD database is not available, as this variant may be reported differently in the database. This variant has not been reported in the literature in individuals affected with DSC2-related conditions. ClinVar contains an entry for this variant (Variation ID: 199786). Experimental studies and prediction algorithms are not available or were not evaluated, and the functional significance of this variant is currently unknown. This variant disrupts the C-terminus of the DSC2 protein. Other variant(s) that disrupt this region (p.Gly863Lysfs*13) have been observed in individuals with DSC2-related conditions (PMID: 31386562). This suggests that this may be a clinically significant region of the protein. In summary, the available evidence is currently insufficient to determine the role of this variant in disease. Therefore, it has been classified as a Variant of Uncertain Significance.

GeneDx
Classification: Uncertain significance. Last evaluated: 2025-10-16. Review status: criteria provided, single submitter. Criteria: GeneDx Variant Classification Process June 2021. Collection method: clinical testing. Allele origin: germline. Affected: yes.
Comment: Frameshift variant predicted to result in abnormal protein length as the last 52 amino acid(s) are replaced with 8 different amino acid(s); Has not been previously published as pathogenic or benign to our knowledge; Not observed at significant frequency in large population cohorts (gnomAD)

Color Diagnostics, LLC DBA Color Health
Classification: Uncertain significance for Cardiomyopathy. Last evaluated: 2025-07-01. Review status: criteria provided, single submitter. Criteria: ACMG Guidelines, 2015. Collection method: clinical testing. Allele origin: germline.
Comment: This variant deletes one nucleotide in exon 16 of the DSC2 gene and inserts two new nucleotides, creating a frameshift and a premature translation stop signal in the last exon. This mutant transcript is predicted to escape nonsense-mediated decay and be expressed as a truncated protein. To our knowledge, functional studies have not been reported for this variant. This variant has not been reported in individuals affected with DSC2-related disorders in the literature. This variant has not been identified in the general population by the Genome Aggregation Database (gnomAD). The available evidence is insufficient to determine the role of this variant in disease conclusively. Therefore, this variant is classified as a Variant of Uncertain Significance.

Ambry Genetics
Classification: Uncertain significance for Cardiovascular phenotype. Last evaluated: 2025-02-03. Review status: criteria provided, single submitter. Criteria: Ambry Variant Classification Scheme 2023. Collection method: clinical testing. Allele origin: germline.
Comment: The c.2548delGinsTT variant, located in coding exon 16 of the DSC2 gene, results from the deletion of one nucleotide and insertion of two nucleotides causing a translational frameshift with a predicted alternate stop codon (p.A850Ffs*9). This alteration occurs at the 3' terminus of theDSC2 gene, is not expected to trigger nonsense-mediated mRNAdecay, and only impacts the last 5% of the protein. The exact functional effect of this alteration is unknown. Based on the available evidence, the clinical significance of this variant remains unclear.

Literature cited by the submitters: PubMed 31386562 (cited by Labcorp Genetics (formerly Invitae), Labcorp).